The following is an entry in ClinVar:

ClinVar aggregate classification (germline): Uncertain significance (1 of 4 stars; one submission).

Conditions:
Multiple endocrine neoplasia, type 1 (MEN1). Also called: MEN I; WERMER SYNDROME; Endocrine adenomatosis multiple; MEN 1; MEA I. Identifiers: Orphanet 652, MedGen C0025267, MeSH D018761, MONDO:0007540, OMIM 131100.

Submission:

Labcorp Genetics (formerly Invitae), Labcorp
Classification: Uncertain significance for Multiple endocrine neoplasia, type 1. Last evaluated: 2023-03-31. Review status: criteria provided, single submitter. Criteria: Invitae Variant Classification Sherloc (09022015). Collection method: clinical testing. Allele origin: germline.
Comment: In summary, the available evidence is currently insufficient to determine the role of this variant in disease. Therefore, it has been classified as a Variant of Uncertain Significance. Advanced modeling of protein sequence and biophysical properties (such as structural, functional, and spatial information, amino acid conservation, physicochemical variation, residue mobility, and thermodynamic stability) performed at Invitae indicates that this missense variant is expected to disrupt MEN1 protein function. This variant has not been reported in the literature in individuals affected with MEN1-related conditions. This variant is not present in population databases (gnomAD no frequency). This sequence change replaces proline, which is neutral and non-polar, with serine, which is neutral and polar, at codon 492 of the MEN1 protein (p.Pro492Ser).

NM_001370259.2(MEN1):c.1474C>T (p.Pro492Ser)

Gene: MEN1 (menin 1; minus strand). Cytogenetic location: 11q13.1.
Variant type: single nucleotide variant.
Coding change: c.1474C>T on transcript NM_001370259.2 (MANE Select); coding-DNA position 1474, C replaced by T.
Protein change: p.Pro492Ser; replaces proline 492 with serine.
Molecular consequence: missense variant. On other transcripts: non-coding transcript variant (4).
Genome position (GRCh38, 1-based): chr11:64,804,693, G>A on the plus strand (C>T on the coding strand, the complement: MEN1 is on the minus strand). VCF-style: chr11-64804693-G-A. GRCh37 (hg19) VCF-style: chr11-64572165-G-A.
Other names: c.1489C>T, p.Pro497Ser (NM_000244.4, NM_001407145.1, NM_130800.3 and 4 more transcripts); c.1600C>T, p.Pro534Ser (NM_001370251.2, NM_001407142.1, NM_001407143.1 and 1 more transcripts); c.1474C>T, p.Pro492Ser (NM_001370260.2, NM_001370261.2, NM_001407146.1 and 2 more transcripts); c.1369C>T, p.Pro457Ser (NM_001370262.2, NM_001370263.2, NM_001407148.1 and 1 more transcripts); c.1615C>T, p.Pro539Ser (NM_001407150.1); c.1495C>T, p.Pro499Ser (NM_001407151.1); c.1309C>T, p.Pro437Ser (NM_001407152.1); short protein forms P457S, P492S, P437S, P499S, P534S, P539S, P497S.
Identifiers: ClinVar variation 2996300 (VCV002996300.3), dbSNP rs2136088409, ClinGen allele CA381179086.